The following is an entry in ClinVar:

ClinVar aggregate classification (germline): Uncertain significance (1 of 4 stars; one submission).

Submission:

GeneDx
Classification: Uncertain significance. Last evaluated: 2019-05-10. Review status: criteria provided, single submitter. Criteria: GeneDx Variant Classification Process June 2021. Collection method: clinical testing. Allele origin: germline. Affected: yes.
Comment: Not observed in large population cohorts (Lek et al., 2016); In silico analysis, which includes protein predictors and evolutionary conservation, supports a deleterious effect; Has not been previously published as pathogenic or benign to our knowledge

NM_000747.3(CHRNB1):c.317A>T (p.Glu106Val)

Gene: CHRNB1 (cholinergic receptor nicotinic beta 1 subunit; plus strand). Cytogenetic location: 17p13.1.
Variant type: single nucleotide variant.
Coding change: c.317A>T on transcript NM_000747.3 (MANE Select); coding-DNA position 317, A replaced by T.
Protein change: p.Glu106Val; replaces glutamic acid 106 with valine.
Molecular consequence: missense variant.
Genome position (GRCh38, 1-based): chr17:7,446,906, A>T. VCF-style: chr17-7446906-A-T. GRCh37 (hg19) VCF-style: chr17-7350225-A-T.
Other names: short protein forms E106V.
Identifiers: ClinVar variation 1303658 (VCV001303658.2), dbSNP rs2150838237, ClinGen allele CA397790579.